The following is an entry in ClinVar:

ClinVar aggregate classification (germline): Uncertain significance. Review status: criteria provided, multiple submitters, no conflicts (2 of 4 stars). 2 submissions from 2 submitters: Uncertain significance (2). Last evaluated 2025-10-22.

Conditions:
Inborn genetic diseases. Identifiers: MedGen C0950123, MeSH D030342.

gnomAD v4.1: 5 of 1,613,658 alleles (0.00031%); highest among the groups gnomAD compares: Non-Finnish European, 0.00042%; no homozygotes.

Submissions (2):

Ambry Genetics
Classification: Uncertain significance for Inborn genetic diseases. Last evaluated: 2025-10-22. Review status: criteria provided, single submitter. Criteria: Ambry Variant Classification Scheme 2023. Collection method: clinical testing. Allele origin: germline.

Labcorp Genetics (formerly Invitae), Labcorp
Classification: Uncertain significance. Last evaluated: 2025-07-11. Review status: criteria provided, single submitter. Criteria: Invitae Variant Classification Sherloc (09022015). Collection method: clinical testing. Allele origin: germline.
Comment: This sequence change replaces proline, which is neutral and non-polar, with threonine, which is neutral and polar, at codon 543 of the DVL3 protein (p.Pro543Thr). This variant is present in population databases (no rsID available, gnomAD 0.0009%). This variant has not been reported in the literature in individuals affected with DVL3-related conditions. Invitae Evidence Modeling of protein sequence and biophysical properties (such as structural, functional, and spatial information, amino acid conservation, physicochemical variation, residue mobility, and thermodynamic stability) indicates that this missense variant is not expected to disrupt DVL3 protein function with a negative predictive value of 80%. In summary, the available evidence is currently insufficient to determine the role of this variant in disease. Therefore, it has been classified as a Variant of Uncertain Significance.

NM_004423.4(DVL3):c.1627C>A (p.Pro543Thr)

Gene: DVL3 (dishevelled segment polarity protein 3; plus strand). Cytogenetic location: 3q27.1.
Variant type: single nucleotide variant.
Coding change: c.1627C>A on transcript NM_004423.4 (MANE Select); coding-DNA position 1627, C replaced by A.
Protein change: p.Pro543Thr; replaces proline 543 with threonine.
Molecular consequence: missense variant.
Genome position (GRCh38, 1-based): chr3:184,170,134, C>A. VCF-style: chr3-184170134-C-A. GRCh37 (hg19) VCF-style: chr3-183887922-C-A.
Other names: short protein forms P543T.
Identifiers: ClinVar variation 4618088 (VCV004618088.2).